The following is an entry in ClinVar:

ClinVar aggregate classification (germline): Uncertain significance (1 of 4 stars; one submission).

gnomAD v4.1: 2 of 1,550,030 alleles (0.00013%); highest among the groups gnomAD compares: South Asian, 0.0012%; no homozygotes.

Submission:

GeneDx
Classification: Uncertain significance. Last evaluated: 2026-02-07. Review status: criteria provided, single submitter. Criteria: GeneDx Variant Classification Process June 2021. Collection method: clinical testing. Allele origin: germline.
Comment: Not observed at significant frequency in large population cohorts (gnomAD); In silico analysis supports that this missense variant has a deleterious effect on protein structure/function; Has not been previously published as pathogenic or benign to our knowledge

NM_001005273.3(CHD3):c.5431C>T (p.Arg1811Trp)

Gene: CHD3 (chromodomain helicase DNA binding protein 3; plus strand). Cytogenetic location: 17p13.1.
Variant type: single nucleotide variant.
Coding change: c.5431C>T on transcript NM_001005273.3 (MANE Select); coding-DNA position 5431, C replaced by T.
Protein change: p.Arg1811Trp; replaces arginine 1811 with tryptophan.
Molecular consequence: missense variant.
Genome position (GRCh38, 1-based): chr17:7,909,179, C>T. VCF-style: chr17-7909179-C-T. GRCh37 (hg19) VCF-style: chr17-7812497-C-T.
Other names: c.5608C>T, p.Arg1870Trp (NM_001005271.3); c.5329C>T, p.Arg1777Trp (NM_005852.4); short protein forms R1777W, R1811W, R1870W.
Identifiers: ClinVar variation 3340937 (VCV003340937.2).